The following is an entry in ClinVar:

ClinVar aggregate classification (germline): Uncertain significance (1 of 4 stars; one submission).

Conditions:
Combined immunodeficiency due to LRBA deficiency. Also called: Common variable immunodeficiency 8, with autoimmunity. Identifiers: Orphanet 445018, MedGen C3553512, MONDO:0013863, OMIM 614700.

Submission:

Labcorp Genetics (formerly Invitae), Labcorp
Classification: Uncertain significance for Combined immunodeficiency due to LRBA deficiency. Last evaluated: 2023-05-23. Review status: criteria provided, single submitter. Criteria: Invitae Variant Classification Sherloc (09022015). Collection method: clinical testing. Allele origin: germline.
Comment: In summary, the available evidence is currently insufficient to determine the role of this variant in disease. Therefore, it has been classified as a Variant of Uncertain Significance. Experimental studies and prediction algorithms are not available or were not evaluated, and the functional significance of this variant is currently unknown. This variant has not been reported in the literature in individuals affected with LRBA-related conditions. This variant results in a copy number gain of the genomic region encompassing exon(s) 57-58 of the LRBA gene. This region includes the termination codon of the gene. This copy number gain extends beyond the assayed region for this gene and therefore may encompass additional genes. As the precise location of this event is unknown, it may be in tandem or it may be located elsewhere in the genome.

NC_000004.11:g.(?_151186874)_(151199176_?)dup

Gene: LRBA (LPS responsive beige-like anchor protein; minus strand). Cytogenetic location: 4q31.3.
Variant type: Duplication.
Identifiers: ClinVar variation 2425639 (VCV002425639.4).